The following is an entry in ClinVar:

NM_018429.3(BDP1):c.1689C>T (p.Ser563=)

Gene: BDP1 (BDP1 general transcription factor IIIB subunit; plus strand). Cytogenetic location: 5q13.2.
Variant type: single nucleotide variant.
Coding change: c.1689C>T on transcript NM_018429.3 (MANE Select); coding-DNA position 1689, C replaced by T.
Protein change: p.Ser563=; no amino-acid change (serine 563 retained).
Molecular consequence: synonymous variant.
Genome position (GRCh38, 1-based): chr5:71,495,298, C>T. VCF-style: chr5-71495298-C-T. GRCh37 (hg19) VCF-style: chr5-70791125-C-T.
Identifiers: ClinVar variation 681819 (VCV000681819.2), dbSNP rs779672121, ClinGen allele CA3296053.

ClinVar aggregate classification (germline): Likely benign. Review status: criteria provided, multiple submitters, no conflicts (2 of 4 stars). 2 submissions from 2 submitters: Likely benign (2). Last evaluated 2023-11-10.

Allele frequency attached by ClinVar (database versions not stated): gnomAD 0.00001; TOPMed 0.00001; gnomAD exomes 0.00004 and 0.00013; ExAC 0.00012.
gnomAD v4.1: 63 of 1,601,932 alleles (0.0039%); highest among the groups gnomAD compares: South Asian, 0.064%; no homozygotes.

Submissions (2):

Blueprint Genetics
Classification: Likely benign. Last evaluated: 2023-11-10. Review status: criteria provided, single submitter. Criteria: ACMG Guidelines, 2015. Collection method: clinical testing. Allele origin: germline.

GeneDx
Classification: Likely benign. Last evaluated: 2018-04-19. Review status: criteria provided, single submitter. Criteria: GeneDx Variant Classification (06012015). Collection method: clinical testing. Allele origin: germline. Affected: yes.
Comment: This variant is considered likely benign or benign based on one or more of the following criteria: it is a conservative change, it occurs at a poorly conserved position in the protein, it is predicted to be benign by multiple in silico algorithms, and/or has population frequency not consistent with disease.